The following is an entry in ClinVar:

NM_000051.4(ATM):c.8151+8T>C

Genes: ATM (ATM serine/threonine kinase; plus strand), C11orf65 (chromosome 11 open reading frame 65; minus strand). Cytogenetic location: 11q22.3.
Variant type: single nucleotide variant.
Coding change: c.8151+8T>C on transcript NM_000051.4 (MANE Select); 8 bases into the intron after coding-DNA position 8151, T replaced by C.
Molecular consequence: intron variant.
Genome position (GRCh38, 1-based): chr11:108,335,117, T>C. VCF-style: chr11-108335117-T-C. GRCh37 (hg19) VCF-style: chr11-108205844-T-C.
Other names: c.8151+8T>C (NM_001351834.2); c.641-26046A>G (NM_001330368.2); c.*38+103A>G (NM_001351110.2).
Identifiers: ClinVar variation 388553 (VCV000388553.18), dbSNP rs768069197, ClinGen allele CA6266280.

ClinVar aggregate classification (germline): Likely benign. Review status: criteria provided, multiple submitters, no conflicts (2 of 4 stars). 7 submissions from 7 submitters: Likely benign (7). Last evaluated 2026-01-18.

Conditions:
Hereditary cancer-predisposing syndrome. Also called: Neoplastic Syndromes, Hereditary; Hereditary Cancer Syndrome; Tumor predisposition; Hereditary neoplastic syndrome. Identifiers: Orphanet 140162, MedGen C0027672, MeSH D009386, MONDO:0015356.
Familial cancer of breast. Also called: Hereditary breast cancer; BREAST CANCER, FAMILIAL; hereditary breast carcinoma. Identifiers: Orphanet 227535, MedGen C0346153, MONDO:0016419, OMIM 114480. Disease mechanism: loss of function.
Ataxia-telangiectasia syndrome (AT). Also called: LOUIS-BAR SYNDROME; Cerebello-oculocutaneous telangiectasia; Immunodeficiency with ataxia telangiectasia; Ataxia-telangiectasia, complementation group D; AT, COMPLEMENTATION GROUP C; Ataxia-telangiectasia, complementation group E. Identifiers: Orphanet 100, MedGen C0004135, MONDO:0008840, OMIM 208900.

Allele frequency attached by ClinVar (database versions not stated): gnomAD exomes below 0.00001 and 0.00001; gnomAD 0.00002; TOPMed 0.00002; ExAC 0.00002.
gnomAD v4.1: 5 of 1,613,852 alleles (0.00031%); highest among the groups gnomAD compares: African/African-American, 0.0067%; no homozygotes.

Submissions (7):

Labcorp Genetics (formerly Invitae), Labcorp
Classification: Likely benign for Ataxia-telangiectasia syndrome. Last evaluated: 2026-01-18. Review status: criteria provided, single submitter. Criteria: Invitae Variant Classification Sherloc (09022015). Collection method: clinical testing. Allele origin: germline.

Women's Health and Genetics/Laboratory Corporation of America, LabCorp
Classification: Likely benign. Last evaluated: 2025-10-11. Review status: criteria provided, single submitter. Criteria: LabCorp Variant Classification Summary - May 2015. Collection method: clinical testing. Allele origin: germline.

Quest Diagnostics Nichols Institute San Juan Capistrano
Classification: Likely benign. Last evaluated: 2025-01-03. Review status: criteria provided, single submitter. Criteria: Quest Diagnostics criteria. Collection method: clinical testing. Allele origin: unknown.

Myriad Genetics, Inc.
Classification: Likely benign for Familial cancer of breast. Last evaluated: 2024-06-18. Review status: criteria provided, single submitter. Criteria: Myriad Autosomal Dominant, Autosomal Recessive and X-Linked Classification Criteria (2023). Collection method: clinical testing. Allele origin: unknown.
Comment: This variant is considered likely benign. This variant is intronic and is not expected to impact mRNA splicing.

Mendelics
Classification: Likely benign for Ataxia-telangiectasia syndrome. Last evaluated: 2019-05-28. Review status: criteria provided, single submitter. Criteria: Mendelics Assertion Criteria 2017. Collection method: clinical testing. Allele origin: unknown.

Color Diagnostics, LLC DBA Color Health
Classification: Likely benign for Hereditary cancer-predisposing syndrome. Last evaluated: 2018-07-23. Review status: criteria provided, single submitter. Criteria: ACMG Guidelines, 2015. Collection method: clinical testing. Allele origin: germline.

GeneDx
Classification: Likely benign. Last evaluated: 2017-07-13. Review status: criteria provided, single submitter. Criteria: GeneDx Variant Classification (06012015). Collection method: clinical testing. Allele origin: germline. Affected: yes.
Comment: This variant is considered likely benign or benign based on one or more of the following criteria: it is a conservative change, it occurs at a poorly conserved position in the protein, it is predicted to be benign by multiple in silico algorithms, and/or has population frequency not consistent with disease.